The following is an entry in ClinVar:

NM_004706.4(ARHGEF1):c.442G>A (p.Val148Ile)

Gene: ARHGEF1 (Rho guanine nucleotide exchange factor 1; plus strand). Cytogenetic location: 19q13.2.
Variant type: single nucleotide variant.
Coding change: c.442G>A on transcript NM_004706.4 (MANE Select); coding-DNA position 442, G replaced by A.
Protein change: p.Val148Ile; replaces valine 148 with isoleucine.
Molecular consequence: missense variant. On other transcripts: non-coding transcript variant (2).
Genome position (GRCh38, 1-based): chr19:41,892,677, G>A. VCF-style: chr19-41892677-G-A. GRCh37 (hg19) VCF-style: chr19-42396748-G-A.
Other names: c.487G>A (NM_199002.1); c.442G>A, p.Val148Ile (NM_001396000.1, NM_001396003.1, NM_001396006.1); c.343G>A, p.Val115Ile (NM_001396002.1, NM_001396004.1, NM_198977.2); c.487G>A, p.Val163Ile (NM_199002.2); short protein forms V163I, V115I, V148I.
Identifiers: ClinVar variation 1912013 (VCV001912013.3), dbSNP rs782727886, ClinGen allele CA9465916.

ClinVar aggregate classification (germline): Uncertain significance. Review status: criteria provided, multiple submitters, no conflicts (2 of 4 stars). 2 submissions from 2 submitters: Uncertain significance (2). Last evaluated 2026-03-23.

Allele frequency attached by ClinVar (database versions not stated): ExAC 0.00003; gnomAD 0.00001; TOPMed 0.00001; gnomAD exomes 0.00002.
gnomAD v4.1: 37 of 1,613,576 alleles (0.0023%); highest among the groups gnomAD compares: South Asian, 0.037%; no homozygotes.

Submissions (2):

Ambry Genetics
Classification: Uncertain significance. Last evaluated: 2026-03-23. Review status: criteria provided, single submitter. Criteria: Ambry Variant Classification Scheme 2023. Collection method: clinical testing. Allele origin: germline.

Labcorp Genetics (formerly Invitae), Labcorp
Classification: Uncertain significance. Last evaluated: 2022-02-10. Review status: criteria provided, single submitter. Criteria: Invitae Variant Classification Sherloc (09022015). Collection method: clinical testing. Allele origin: germline.
Comment: This sequence change replaces valine, which is neutral and non-polar, with isoleucine, which is neutral and non-polar, at codon 163 of the ARHGEF1 protein (p.Val163Ile). This variant is present in population databases (rs782727886, gnomAD 0.03%). This variant has not been reported in the literature in individuals affected with ARHGEF1-related conditions. Algorithms developed to predict the effect of missense changes on protein structure and function (SIFT, PolyPhen-2, Align-GVGD) all suggest that this variant is likely to be tolerated. In summary, the available evidence is currently insufficient to determine the role of this variant in disease. Therefore, it has been classified as a Variant of Uncertain Significance.